The following is an entry in ClinVar:

ClinVar aggregate classification (germline): Benign (1 of 4 stars; one submission).

Conditions:
Bloom syndrome (BLM). Also called: Bloom-Torre-Machacek syndrome. Identifiers: Orphanet 125, MedGen C0005859, MONDO:0008876, OMIM 210900.

Allele frequency attached by ClinVar (database versions not stated): gnomAD exomes 0.00075; 1000 Genomes Project 0.00579; 1000 Genomes Project 30x 0.00593; gnomAD 0.00760 and 0.00823; TOPMed 0.00883.
gnomAD v4.1: 1,967 of 1,202,168 alleles (0.16%); highest among the groups gnomAD compares: African/African-American, 2.7%; 25 homozygotes.

Submission:

Illumina Laboratory Services, Illumina
Classification: Benign for Bloom syndrome. Last evaluated: 2018-01-13. Review status: criteria provided, single submitter. Criteria: ICSL Variant Classification Criteria 13 December 2019. Collection method: clinical testing. Allele origin: germline.
Comment: This variant was observed in the ICSL laboratory as part of a predisposition screen in an ostensibly healthy population. It had not been previously curated by ICSL or reported in the Human Gene Mutation Database (HGMD: prior to June 1st, 2018), and was therefore a candidate for classification through an automated scoring system. Utilizing variant allele frequency, disease prevalence and penetrance estimates, and inheritance mode, an automated score was calculated to assess if this variant is too frequent to cause the disease. Based on the score and internal cut-off values, a variant classified as benign is not then subjected to further curation. The score for this variant resulted in a classification of benign for this disease.

NM_000057.4(BLM):c.*108C>T

Gene: BLM (BLM RecQ like helicase; plus strand). Cytogenetic location: 15q26.1.
Variant type: single nucleotide variant.
Coding change: c.*108C>T on transcript NM_000057.4 (MANE Select); 108 bases downstream of the stop codon, C replaced by T.
Molecular consequence: 3 prime UTR variant.
Genome position (GRCh38, 1-based): chr15:90,815,387, C>T. VCF-style: chr15-90815387-C-T. GRCh37 (hg19) VCF-style: chr15-91358617-C-T.
Other names: c.*108C>T (LRG_20t1, NM_001287246.2, NM_001287247.2 and 1 more transcripts).
Identifiers: ClinVar variation 317415 (VCV000317415.5), dbSNP rs28363374, ClinGen allele CA10646716.